The following is an entry in ClinVar:

ClinVar aggregate classification (germline): Uncertain significance (1 of 4 stars; one submission).

Conditions:
Cardiovascular phenotype. Identifiers: MedGen CN230736.

Submission:

Ambry Genetics
Classification: Uncertain significance for Cardiovascular phenotype. Last evaluated: 2019-08-02. Review status: criteria provided, single submitter. Criteria: Ambry Variant Classification Scheme 2023. Collection method: clinical testing. Allele origin: germline.
Comment: The p.M3956I variant (also known as c.11868G>T), located in coding exon 88 of the RYR2 gene, results from a G to T substitution at nucleotide position 11868. The methionine at codon 3956 is replaced by isoleucine, an amino acid with highly similar properties. This amino acid position is highly conserved in available vertebrate species. In addition, this alteration is predicted to be deleterious by in silico analysis. Since supporting evidence is limited at this time, the clinical significance of this alteration remains unclear.

NM_001035.3(RYR2):c.11868G>T (p.Met3956Ile)

Gene: RYR2 (ryanodine receptor 2; plus strand). Cytogenetic location: 1q43.
Variant type: single nucleotide variant.
Coding change: c.11868G>T on transcript NM_001035.3 (MANE Select); coding-DNA position 11868, G replaced by T.
Protein change: p.Met3956Ile; replaces methionine 3956 with isoleucine.
Molecular consequence: missense variant.
Genome position (GRCh38, 1-based): chr1:237,778,758, G>T. VCF-style: chr1-237778758-G-T. GRCh37 (hg19) VCF-style: chr1-237942058-G-T.
Other names: short protein forms M3956I.
Identifiers: ClinVar variation 1743428 (VCV001743428.2), dbSNP rs2527699101, ClinGen allele CA345409545.
Genomic context (GRCh38, chr1:237,778,758, plus strand): 5'-ACACAGCAGGCTGTGGGATGCTGTGGTCGGCTTTCTTCATGTGTTTGCCCATATGCAGAT[G>T]AAGCTGTCGCAGGTAAACTAACTAACTGCCTTCCTCTCTCTTAAATGACAAACTGGAGAC-3'
Protein context (NP_001026.2, residues 3946-3966): GFLHVFAHMQ[Met3956Ile]KLSQDSSQIE